The following is an entry in ClinVar:

NM_015272.5(RPGRIP1L):c.3707G>A (p.Arg1236His)

Gene: RPGRIP1L (RPGRIP1 like; minus strand). Cytogenetic location: 16q12.2.
Variant type: single nucleotide variant.
Coding change: c.3707G>A on transcript NM_015272.5 (MANE Select); coding-DNA position 3707, G replaced by A.
Protein change: p.Arg1236His; replaces arginine 1236 with histidine.
Molecular consequence: missense variant.
Genome position (GRCh38, 1-based): chr16:53,605,609, C>T on the plus strand (G>A on the coding strand, the complement: RPGRIP1L is on the minus strand). VCF-style: chr16-53605609-C-T. GRCh37 (hg19) VCF-style: chr16-53639521-C-T.
Other names: c.3467G>A, p.Arg1156His (NM_001127897.4); c.3569G>A, p.Arg1190His (NM_001308334.3); c.3605G>A, p.Arg1202His (NM_001330538.2); c.3707G>A (NM_015272.4); short protein forms R1156H, R1190H, R1202H, R1236H.
Identifiers: ClinVar variation 1010364 (VCV001010364.12), dbSNP rs1410635948, ClinGen allele CA395921430.

ClinVar aggregate classification (germline): Uncertain significance. Review status: criteria provided, multiple submitters, no conflicts (2 of 4 stars). 6 submissions from 6 submitters: Uncertain significance (5). 1 of the submissions does not count toward it. Last evaluated 2025-11-20.

Conditions:
COACH syndrome 3. Identifiers: MedGen C5436841, MONDO:0030862, OMIM 619113.
Meckel syndrome, type 5 (MKS5). Identifiers: Orphanet 564, MedGen C1969052, MONDO:0012695, OMIM 611561.
Joubert syndrome 7 (JBTS7). Identifiers: Orphanet 220497, MedGen C1969053, MONDO:0012694, OMIM 611560.
RPGRIP1L-related disorder. Also called: RPGRIP1L-related disorders; RPGRIP1L-related condition. Identifiers: MedGen CN239416.
Joubert syndrome. Also called: Familial aplasia of the vermis; JOUBERT-BOLTSHAUSER SYNDROME. Identifiers: Orphanet 475, MedGen C5979921, MONDO:0018772.
Meckel-Gruber syndrome. Also called: DYSENCEPHALIA SPLANCHNOCYSTICA; GRUBER SYNDROME; Dysencephalia splachnocystica. Identifiers: Orphanet 564, MedGen C0265215, MONDO:0018921.

Allele frequency attached by ClinVar (database versions not stated): gnomAD exomes below 0.00001 and 0.00001; gnomAD 0.00001 and 0.00002.
gnomAD v4.1: 16 of 1,613,800 alleles (0.00099%); highest among the groups gnomAD compares: African/African-American, 0.0053%; no homozygotes.

Submissions (6):

PreventionGenetics, part of Exact Sciences
Classification: Uncertain significance for RPGRIP1L-related condition. Last evaluated: 2025-11-20. Review status: criteria provided, single submitter. Criteria: ACMG Guidelines, 2015. Collection method: clinical testing. Allele origin: germline.
Comment: The RPGRIP1L c.3707G>A variant is predicted to result in the amino acid substitution p.Arg1236His. To our knowledge, this variant has not been reported in the literature. This variant is reported in 0.0040% of alleles in individuals of African descent in gnomAD. A different nucleotide substitution affecting the same amino acid (p.Arg1236Cys) has been reported in individuals with Meckel syndrome or subcortical heterotopia (Khanna et al. 2009. PubMed ID: 19430481; Uzquiano et al. 2019. PubMed ID: 31390572). At this time, the clinical significance of the c.3707G>A (p.Arg1236His) variant is uncertain due to the absence of conclusive functional and genetic evidence.

Fulgent Genetics
Classification: Uncertain significance for Joubert syndrome 7; Meckel syndrome, type 5; COACH syndrome 3. Last evaluated: 2024-06-14. Review status: criteria provided, single submitter. Criteria: ACMG Guidelines, 2015. Collection method: clinical testing. Allele origin: germline.

Labcorp Genetics (formerly Invitae), Labcorp
Classification: Uncertain significance for Joubert syndrome; Meckel-Gruber syndrome. Last evaluated: 2023-07-03. Review status: criteria provided, single submitter. Criteria: Invitae Variant Classification Sherloc (09022015). Collection method: clinical testing. Allele origin: germline.
Comment: This variant has not been reported in the literature in individuals affected with RPGRIP1L-related conditions. In summary, the available evidence is currently insufficient to determine the role of this variant in disease. Therefore, it has been classified as a Variant of Uncertain Significance. Advanced modeling of protein sequence and biophysical properties (such as structural, functional, and spatial information, amino acid conservation, physicochemical variation, residue mobility, and thermodynamic stability) performed at Invitae indicates that this missense variant is expected to disrupt RPGRIP1L protein function. ClinVar contains an entry for this variant (Variation ID: 1010364). This variant is present in population databases (no rsID available, gnomAD 0.004%). This sequence change replaces arginine, which is basic and polar, with histidine, which is basic and polar, at codon 1236 of the RPGRIP1L protein (p.Arg1236His).

Victorian Clinical Genetics Services, Murdoch Childrens Research Institute
Classification: Uncertain significance for Joubert syndrome 7. Last evaluated: 2022-02-02. Review status: criteria provided, single submitter. Criteria: ACMG Guidelines, 2015. Collection method: clinical testing. Allele origin: germline. Inheritance: Autosomal recessive inheritance.
Comment: Based on the classification scheme VCGS_Germline_v1.3.4, this variant is classified as VUS-3C. Following criteria are met: 0102 - Loss of function is a known mechanism of disease in this gene and is associated with Meckel syndrome 5 (MIM#611561) and Joubert syndrome (MIM#7611560). (I) 0106 - This gene is associated with autosomal recessive disease. (I) 0200 - Variant is predicted to result in a missense amino acid change from arginine to histidine. (I) 0251 - This variant is heterozygous. (I) 0304 - Variant is present in gnomAD (v2) <0.01 for a recessive condition (2 heterozygotes, 0 homozygotes). (SP) 0309 - An alternative amino acid change at the same position has been observed in gnomAD (v2) (161 heterozygotes, 0 homozygotes). (I) 0502 - Missense variant with conflicting in silico predictions and uninformative conservation. (I) 0600 - Variant is located in the annotated RPGR1 C-terminal domain (Pfam). (I) 0710 - Another missense variant comparable to the one identified in this case has inconclusive previous evidence for pathogenicity. The p.(Arg1236Cys) variant has been reported in the ClinVar database and the literature in an individual with Meckel syndrome, but does not have sufficient evidence for pathogenicity (PMID: 19430481). (I) 0807 - This variant has no previous evidence of pathogenicity. (I) 0905 - No published segregation evidence has been identified for this variant. (I) 1007 - No published functional evidence has been identified for this variant. (I) 1208 - Inheritance information for this variant is not currently available in this individual. (I) Legend: (SP) - Supporting pathogenic, (I) - Information, (SB) - Supporting benign

Blueprint Genetics
Classification: Uncertain significance. Last evaluated: 2019-07-08. Review status: criteria provided, single submitter. Criteria: ACMG Guidelines, 2015. Collection method: clinical testing. Allele origin: germline.

Natera, Inc.
Classification: Uncertain significance for Joubert syndrome. Last evaluated: 2020-12-17. Review status: no assertion criteria provided. Collection method: clinical testing. Allele origin: germline. Not counted in ClinVar's aggregate classification.

Literature cited by the submitters: PubMed 19430481 (cited by Victorian Clinical Genetics Services, Murdoch Childrens Research Institute).